The following is an entry in ClinVar:

ClinVar aggregate classification (germline): Likely benign. Review status: criteria provided, multiple submitters, no conflicts (2 of 4 stars). 2 submissions from 2 submitters: Likely benign (2). Last evaluated 2024-11-21.

Allele frequency attached by ClinVar (database versions not stated): 1000 Genomes Project 0.00020; 1000 Genomes Project 30x 0.00031; gnomAD 0.00078; ESP Exome Variant Server 0.00092; ExAC 0.00099; TOPMed 0.00103.
gnomAD v4.1: 1,132 of 1,614,152 alleles (0.07%); highest among the groups gnomAD compares: Middle Eastern, 0.31%; 5 homozygotes.

Submissions (2):

Blueprint Genetics
Classification: Likely benign. Last evaluated: 2024-11-21. Review status: criteria provided, single submitter. Criteria: ACMG Guidelines, 2015. Collection method: clinical testing. Allele origin: germline.

CeGaT Center for Human Genetics Tuebingen
Classification: Likely benign. Last evaluated: 2024-08-01. Review status: criteria provided, single submitter. Criteria: CeGaT Center For Human Genetics Tuebingen Variant Classification Criteria Version 2. Collection method: clinical testing. Allele origin: germline. Affected: yes. Observed: 3 variant alleles.
Comment: MYO9A: BP4, BS2

NM_006901.4(MYO9A):c.3740A>G (p.Gln1247Arg)

Gene: MYO9A (myosin IXA; minus strand). Cytogenetic location: 15q23.
Variant type: single nucleotide variant.
Coding change: c.3740A>G on transcript NM_006901.4 (MANE Select); coding-DNA position 3740, A replaced by G.
Protein change: p.Gln1247Arg; replaces glutamine 1247 with arginine.
Molecular consequence: missense variant.
Genome position (GRCh38, 1-based): chr15:71,898,763, T>C on the plus strand (A>G on the coding strand, the complement: MYO9A is on the minus strand). VCF-style: chr15-71898763-T-C. GRCh37 (hg19) VCF-style: chr15-72191104-T-C.
Other names: short protein forms Q1247R.
Identifiers: ClinVar variation 2645508 (VCV002645508.25), dbSNP rs143652126, ClinGen allele CA7641515.